The following is an entry in ClinVar:

ClinVar aggregate classification (germline): Uncertain significance (0 of 4 stars; one submission).

Conditions:
DYRK1B-related disorder. Also called: DYRK1B-related condition.

gnomAD v4.1: 11 of 1,588,856 alleles (0.00069%); highest among the groups gnomAD compares: Middle Eastern, 0.017%; no homozygotes.

Submission:

PreventionGenetics, part of Exact Sciences
Classification: Uncertain significance for DYRK1B-related condition. Last evaluated: 2024-09-13. Review status: no assertion criteria provided. Collection method: clinical testing. Allele origin: germline.
Comment: The DYRK1B c.1328C>T variant is predicted to result in the amino acid substitution p.Pro443Leu. To our knowledge, this variant has not been reported in the literature or in a large population database, indicating this variant is rare. At this time, the clinical significance of this variant is uncertain due to the absence of conclusive functional and genetic evidence.

NM_004714.3(DYRK1B):c.1328C>T (p.Pro443Leu)

Gene: DYRK1B (dual specificity tyrosine phosphorylation regulated kinase 1B; minus strand). Cytogenetic location: 19q13.2.
Variant type: single nucleotide variant.
Coding change: c.1328C>T on transcript NM_004714.3 (MANE Select); coding-DNA position 1328, C replaced by T.
Protein change: p.Pro443Leu; replaces proline 443 with leucine.
Molecular consequence: missense variant.
Genome position (GRCh38, 1-based): chr19:39,826,755, G>A on the plus strand (C>T on the coding strand, the complement: DYRK1B is on the minus strand). VCF-style: chr19-39826755-G-A. GRCh37 (hg19) VCF-style: chr19-40317395-G-A.
Other names: c.1208C>T, p.Pro403Leu (NM_006483.3); c.1244C>T, p.Pro415Leu (NM_006484.3); short protein forms P403L, P415L, P443L.
Identifiers: ClinVar variation 3357359 (VCV003357359.1).